The following is an entry in ClinVar:

ClinVar aggregate classification (germline): Uncertain significance (1 of 4 stars; one submission).

Conditions:
Hypertrophic cardiomyopathy. Also called: HYPERTROPHIC MYOCARDIOPATHY. Identifiers: Orphanet 217569, MedGen C0007194, MeSH D002312, MONDO:0005045, HP:0001639.

Allele frequency attached by ClinVar (database versions not stated): gnomAD exomes 0.00001.

Submission:

All of Us Research Program, National Institutes of Health
Classification: Uncertain significance for Hypertrophic cardiomyopathy. Last evaluated: 2023-11-30. Review status: criteria provided, single submitter. Criteria: ACMG Guidelines, 2015. Collection method: clinical testing. Allele origin: germline. Inheritance: Autosomal dominant inheritance. Observed: 1 variant allele, 1 heterozygote.
Comment: This study involves interpretation of variants in research participants for the purpose of population health screening. Participant phenotype was not available at the time of variant classification. Additional details can be found in publication PMID: 35346344, PMCID: PMC8962531

NM_000256.3(MYBPC3):c.3565_3567dup (p.Asn1189_Arg1190insAsn)

Gene: MYBPC3 (myosin binding protein C3; minus strand). Cytogenetic location: 11p11.2.
Variant type: Duplication.
Coding change: c.3565_3567dup on transcript NM_000256.3 (MANE Select); coding-DNA positions 3565 to 3567, 3 bases duplicated (AAC; older notation c.3565_3567dupAAC).
Protein change: p.Asn1189_Arg1190insAsn.
Molecular consequence: inframe insertion.
Genome position (GRCh38, 1-based): chr11:47,332,626-47,332,628, GTT duplicated on the plus strand (AAC on the coding strand, the reverse complement: MYBPC3 is on the minus strand). VCF-style (leftmost placement, unchanged base first): chr11-47332625-G-GGTT. GRCh37 (hg19) VCF-style: chr11-47354176-G-GGTT.
Identifiers: ClinVar variation 3073861 (VCV003073861.1), dbSNP rs2495738001, ClinGen allele CA2574815724.
Genomic context (GRCh38, chr11:47,332,625, plus strand): 5'-CCTTGGGGCTACCCCGGACAGCACAGCAGAGCATAGCAGTGTAGCCCGCGATGACCGAGC[G>GGTT]GTTCACCAGGGGCTGGGTGAAGCTTGGGGCCTCGGAGAAGTCCAGGGCCTTATAGTTGGG-3'